The following is an entry in ClinVar:

NM_000540.3(RYR1):c.13618G>A (p.Glu4540Lys)

Gene: RYR1 (ryanodine receptor 1; plus strand). Cytogenetic location: 19q13.2.
Variant type: single nucleotide variant.
Coding change: c.13618G>A on transcript NM_000540.3 (MANE Select); coding-DNA position 13618, G replaced by A.
Protein change: p.Glu4540Lys; replaces glutamic acid 4540 with lysine.
Molecular consequence: missense variant.
Genome position (GRCh38, 1-based): chr19:38,567,876, G>A. VCF-style: chr19-38567876-G-A. GRCh37 (hg19) VCF-style: chr19-39058516-G-A.
Other names: c.13603G>A, p.Glu4535Lys (NM_001042723.2); short protein forms E4535K, E4540K.
Identifiers: ClinVar variation 2416716 (VCV002416716.4), dbSNP rs558317880, ClinGen allele CA060243.

ClinVar aggregate classification (germline): Uncertain significance. Review status: criteria provided, multiple submitters, no conflicts (2 of 4 stars). 2 submissions from 2 submitters: Uncertain significance (2). Last evaluated 2025-06-03.

Conditions:
RYR1-related disorder. Also called: RYR1-related condition; RYR1-related disorders. Identifiers: MedGen CN239331.
Malignant hyperthermia, susceptibility to, 1 (MHS1). Also called: Anesthesia related hyperthermia; Malignant hyperpyrexia; Fulminating hyperpyrexia; Pharmacogenic myopathy; RYR1-Related Malignant Hyperthermia Susceptibility; Malignant hyperthermia suceptibility 1. Identifiers: Orphanet 423, MedGen C2930980, MONDO:0007783, OMIM 145600.

Allele frequency attached by ClinVar (database versions not stated): gnomAD exomes below 0.00001; ExAC 0.00001; gnomAD 0.00001; 1000 Genomes Project 30x 0.00016; 1000 Genomes Project 0.00020.
gnomAD v4.1: 6 of 1,613,942 alleles (0.00037%); highest among the groups gnomAD compares: African/African-American, 0.0013%; no homozygotes.

Submissions (2):

Color Diagnostics, LLC DBA Color Health
Classification: Uncertain significance for Malignant hyperthermia, susceptibility to, 1. Last evaluated: 2025-06-03. Review status: criteria provided, single submitter. Criteria: ACMG Guidelines, 2015. Collection method: clinical testing. Allele origin: germline.
Comment: This missense variant replaces glutamic acid with lysine at codon 4540 of the RYR1 protein. Computational prediction is inconclusive regarding the impact of this variant on protein structure and function. To our knowledge, functional studies have not been reported for this variant. This variant has not been reported in individuals affected with RYR1-related disorders in the literature. This variant has been identified in 1/248950 chromosomes in the general population by the Genome Aggregation Database (gnomAD). The available evidence is insufficient to determine the role of this variant in disease conclusively. Therefore, this variant is classified as a Variant of Uncertain Significance.

Labcorp Genetics (formerly Invitae), Labcorp
Classification: Uncertain significance for RYR1-related disorder. Last evaluated: 2022-03-18. Review status: criteria provided, single submitter. Criteria: Invitae Variant Classification Sherloc (09022015). Collection method: clinical testing. Allele origin: germline.
Comment: This sequence change replaces glutamic acid, which is acidic and polar, with lysine, which is basic and polar, at codon 4540 of the RYR1 protein (p.Glu4540Lys). This variant is present in population databases (rs558317880, gnomAD 0.007%). This variant has not been reported in the literature in individuals affected with RYR1-related conditions. Advanced modeling of protein sequence and biophysical properties (such as structural, functional, and spatial information, amino acid conservation, physicochemical variation, residue mobility, and thermodynamic stability) performed at Invitae indicates that this missense variant is not expected to disrupt RYR1 protein function. In summary, the available evidence is currently insufficient to determine the role of this variant in disease. Therefore, it has been classified as a Variant of Uncertain Significance.